The following is an entry in ClinVar:

ClinVar aggregate classification (germline): Likely benign (1 of 4 stars; one submission).

Conditions:
COL18A1-related disorder. Also called: COL18A1-related condition; COL18A1-related disorders.

Submission:

PreventionGenetics, part of Exact Sciences
Classification: Likely benign for COL18A1-related condition. Last evaluated: 2025-03-28. Review status: criteria provided, single submitter. Criteria: ACMG Guidelines, 2015. Collection method: clinical testing. Allele origin: germline.
Comment: This variant is classified as likely benign based on ACMG/AMP sequence variant interpretation guidelines (Richards et al. 2015 PMID: 25741868, with internal and published modifications).

NM_001379500.1(COL18A1):c.107-12637G>A

Gene: COL18A1 (collagen type XVIII alpha 1 chain; plus strand). Cytogenetic location: 21q22.3.
Variant type: single nucleotide variant.
Coding change: c.107-12637G>A on transcript NM_001379500.1 (MANE Select); 12637 bases into the intron before coding-DNA position 107, G replaced by A.
Molecular consequence: intron variant. On other transcripts: synonymous variant (2).
Genome position (GRCh38, 1-based): chr21:45,455,605, G>A. VCF-style: chr21-45455605-G-A. GRCh37 (hg19) VCF-style: chr21-46875519-G-A.
Other names: c.75G>A, p.Leu25= (NM_030582.4, NM_130444.3).
Identifiers: ClinVar variation 4985521 (VCV004985521.1).